The following is an entry in ClinVar:

NM_000321.3(RB1):c.381-16A>G

Gene: RB1 (RB transcriptional corepressor 1; plus strand). Cytogenetic location: 13q14.2.
Variant type: single nucleotide variant.
Coding change: c.381-16A>G on transcript NM_000321.3 (MANE Select); 16 bases into the intron before coding-DNA position 381, A replaced by G.
Molecular consequence: intron variant.
Genome position (GRCh38, 1-based): chr13:48,345,064, A>G. VCF-style: chr13-48345064-A-G. GRCh37 (hg19) VCF-style: chr13-48919200-A-G.
Other names: c.381-16A>G (NM_001407165.1, NM_001407166.1).
Identifiers: ClinVar variation 4876032 (VCV004876032.1).

ClinVar aggregate classification (germline): Likely benign (1 of 4 stars; one submission).

Conditions:
Retinoblastoma (RB1). Also called: RETINOBLASTOMA, SOMATIC. Identifiers: Orphanet 790, MedGen C0035335, MeSH D012175, MONDO:0008380, OMIM 180200, HP:0009919. Disease mechanism: loss of function. Inheritance: Both sporadic and heritable forms are tested..

Submission:

Myriad Genetics, Inc.
Classification: Likely benign for Retinoblastoma. Last evaluated: 2026-06-18. Review status: criteria provided, single submitter. Criteria: Myriad Autosomal Dominant, Autosomal Recessive and X-Linked Classification Criteria (2023). Collection method: clinical testing. Allele origin: unknown.
Comment: This variant is considered likely benign. This variant is intronic and is not expected to impact mRNA splicing.